The following is an entry in ClinVar:

NM_001621.5(AHR):c.1834A>G (p.Met612Val)

Gene: AHR (aryl hydrocarbon receptor; plus strand). Cytogenetic location: 7p21.1.
Variant type: single nucleotide variant.
Coding change: c.1834A>G on transcript NM_001621.5 (MANE Select); coding-DNA position 1834, A replaced by G.
Protein change: p.Met612Val; replaces methionine 612 with valine.
Molecular consequence: missense variant.
Genome position (GRCh38, 1-based): chr7:17,339,659, A>G. VCF-style: chr7-17339659-A-G. GRCh37 (hg19) VCF-style: chr7-17379283-A-G.
Other names: c.1834A>G (NM_001621.4); short protein forms M612V.
Identifiers: ClinVar variation 1009304 (VCV001009304.10), dbSNP rs776554950, ClinGen allele CA4172191.

ClinVar aggregate classification (germline): Uncertain significance. Review status: criteria provided, multiple submitters, no conflicts (2 of 4 stars). 2 submissions from 2 submitters: Uncertain significance (2). Last evaluated 2025-05-19.

Allele frequency attached by ClinVar (database versions not stated): ExAC 0.00001; gnomAD exomes 0.00001.
gnomAD v4.1: 18 of 1,614,118 alleles (0.0011%); highest among the groups gnomAD compares: East Asian, 0.0045%; no homozygotes.

Submissions (2):

Ambry Genetics
Classification: Uncertain significance. Last evaluated: 2025-05-19. Review status: criteria provided, single submitter. Criteria: Ambry Variant Classification Scheme 2023. Collection method: clinical testing. Allele origin: germline.

Labcorp Genetics (formerly Invitae), Labcorp
Classification: Uncertain significance. Last evaluated: 2020-01-10. Review status: criteria provided, single submitter. Criteria: Invitae Variant Classification Sherloc (09022015). Collection method: clinical testing. Allele origin: germline.
Comment: This sequence change replaces methionine with valine at codon 612 of the AHR protein (p.Met612Val). The methionine residue is moderately conserved and there is a small physicochemical difference between methionine and valine. In summary, the available evidence is currently insufficient to determine the role of this variant in disease. Therefore, it has been classified as a Variant of Uncertain Significance. Algorithms developed to predict the effect of missense changes on protein structure and function output the following: SIFT: "Tolerated"; PolyPhen-2: "Benign"; Align-GVGD: "Class C0". The valine amino acid residue is found in multiple mammalian species, suggesting that this missense change does not adversely affect protein function. These predictions have not been confirmed by published functional studies and their clinical significance is uncertain. This variant has not been reported in the literature in individuals with AHR-related conditions. This variant is present in population databases (rs776554950, ExAC 0.01%).